The following is an entry in ClinVar:

ClinVar aggregate classification (germline): Uncertain significance. Review status: criteria provided, multiple submitters, no conflicts (2 of 4 stars). 2 submissions from 2 submitters: Uncertain significance (2). Last evaluated 2026-09-04.

Conditions:
Long QT syndrome 1 (LQT1). Identifiers: Orphanet 101016, Orphanet 768, MedGen C4551647, MONDO:0100316, OMIM 192500, MONDO:0008646.

Submissions (2):

GeneDx
Classification: Uncertain significance. Last evaluated: 2026-09-04. Review status: criteria provided, single submitter. Criteria: GeneDx Variant Classification Process June 2021. Collection method: clinical testing. Allele origin: germline.
Comment: Not observed at significant frequency in large population cohorts (gnomAD); In silico analysis supports that this missense variant has a deleterious effect on protein structure/function; Has not been previously published as pathogenic or benign to our knowledge; This variant is associated with the following publications: (PMID: 42524612)

Labcorp Genetics (formerly Invitae), Labcorp
Classification: Uncertain significance for Long QT syndrome 1. Last evaluated: 2024-12-11. Review status: criteria provided, single submitter. Criteria: Invitae Variant Classification Sherloc (09022015). Collection method: clinical testing. Allele origin: germline.
Comment: This sequence change replaces alanine, which is neutral and non-polar, with proline, which is neutral and non-polar, at codon 58 of the CALM2 protein (p.Ala58Pro). This variant is not present in population databases (gnomAD no frequency). This variant has not been reported in the literature in individuals affected with CALM2-related conditions. ClinVar contains an entry for this variant (Variation ID: 1305058). An algorithm developed to predict the effect of missense changes on protein structure and function (PolyPhen-2) suggests that this variant is likely to be tolerated. In summary, the available evidence is currently insufficient to determine the role of this variant in disease. Therefore, it has been classified as a Variant of Uncertain Significance.

NM_001743.6(CALM2):c.172G>C (p.Ala58Pro)

Gene: CALM2 (calmodulin 2; minus strand). Cytogenetic location: 2p21.
Variant type: single nucleotide variant.
Coding change: c.172G>C on transcript NM_001743.6 (MANE Select); coding-DNA position 172, G replaced by C.
Protein change: p.Ala58Pro; replaces alanine 58 with proline.
Molecular consequence: missense variant.
Genome position (GRCh38, 1-based): chr2:47,162,525, C>G on the plus strand (G>C on the coding strand, the complement: CALM2 is on the minus strand). VCF-style: chr2-47162525-C-G. GRCh37 (hg19) VCF-style: chr2-47389664-C-G.
Other names: c.316G>C, p.Ala106Pro (NM_001305624.1); c.64G>C, p.Ala22Pro (NM_001305625.2, NM_001305626.1); short protein forms A106P, A22P, A58P.
Identifiers: ClinVar variation 1305058 (VCV001305058.5), dbSNP rs2103825594, ClinGen allele CA346719732.